The following is an entry in ClinVar:

NM_001330701.2(AGTPBP1):c.-179GCC[4]

Genes: AGTPBP1 (ATP/GTP binding carboxypeptidase 1; minus strand), LOC130001960 (ATAC-STARR-seq lymphoblastoid silent region 19988; plus strand). Cytogenetic location: 9q21.33.
Variant type: Microsatellite.
Coding change: c.-179GCC[4] on transcript NM_001330701.2 (MANE Select); four copies in a row of the 3-base unit GCC starting at c.-179; the reference has five copies in a row; one copy, 3 bases deleted.
Molecular consequence: 5 prime UTR variant.
Genome position (GRCh38, 1-based): chr9:85,741,906-85,741,908, GGC deleted on the plus strand (GCC on the coding strand, the reverse complement: AGTPBP1 is on the minus strand); deleting any 3 consecutive bases within chr9:85,741,906-85,741,920 gives the same sequence; the position shown is the placement nearest the transcript's 3' end. VCF-style (leftmost placement, unchanged base first): chr9-85741905-AGGC-A. GRCh37 (hg19) VCF-style: chr9-88356820-AGGC-A.
Other names: c.43GCC[4], p.Ala19del (NM_001286715.1, NM_001286717.1); c.-179GCC[4] (NM_015239.3); c.55_57delGCC (NM_001286715.1); short protein forms A19del.
Identifiers: ClinVar variation 3056478 (VCV003056478.2), dbSNP rs199589522, ClinGen allele CA5106976.
Genomic context (GRCh38, chr9:85,741,905, plus strand): 5'-GGATCCCTCGCCGCCCGCCGCCCGGTGTTTTCATACAAACCCCGGTGGCAGGCGAGGCGG[AGGC>A]GGCGGCGGCGGCAGCTGCGGCGGCGGCGCTGGAGGCGGCGGAACCTGTCCGCATCCCGGG-3'

ClinVar aggregate classification (germline): Benign (0 of 4 stars; one submission).

Conditions:
AGTPBP1-related disorder. Also called: AGTPBP1-related condition.

Submission:

PreventionGenetics, part of Exact Sciences
Classification: Benign for AGTPBP1-related condition. Last evaluated: 2019-06-17. Review status: no assertion criteria provided. Collection method: clinical testing. Allele origin: germline.
Comment: This variant is classified as benign based on ACMG/AMP sequence variant interpretation guidelines (Richards et al. 2015 PMID: 25741868, with internal and published modifications).